The following is an entry in ClinVar:

NM_001849.4(COL6A2):c.812G>T (p.Gly271Val)

Gene: COL6A2 (collagen type VI alpha 2 chain; plus strand). Cytogenetic location: 21q22.3.
Variant type: single nucleotide variant.
Coding change: c.812G>T on transcript NM_001849.4 (MANE Select); coding-DNA position 812, G replaced by T.
Protein change: p.Gly271Val; replaces glycine 271 with valine.
Molecular consequence: missense variant.
Genome position (GRCh38, 1-based): chr21:46,115,882, G>T. VCF-style: chr21-46115882-G-T. GRCh37 (hg19) VCF-style: chr21-47535796-G-T.
Other names: c.812G>T, p.Gly271Val (NM_058174.3, NM_058175.3); short protein forms G271V.
Identifiers: ClinVar variation 476493 (VCV000476493.13), dbSNP rs794727788, ClinGen allele CA410524658.

ClinVar aggregate classification (germline): Pathogenic/Likely pathogenic. Review status: criteria provided, multiple submitters, no conflicts (2 of 4 stars). 2 submissions from 2 submitters: Pathogenic (1); Likely pathogenic (1). Last evaluated 2026-01-15.

Conditions:
Bethlem myopathy 1A. Also called: Bethlem myopathy 1; MYOPATHY, BENIGN CONGENITAL, WITH CONTRACTURES; Bethlem Muscular Dystrophy. Identifiers: Orphanet 610, MedGen CN029274, MONDO:0024530, OMIM 158810.
COL6A2-related disorder.

Submissions (2):

3billion
Classification: Likely pathogenic for COL6A2-related disorder. Last evaluated: 2026-01-15. Review status: criteria provided, single submitter. Criteria: ACMG Guidelines, 2015. Collection method: clinical testing. Allele origin: germline. Affected: yes.
Comment: The variant is not observed in the gnomAD v4.1.0 dataset. Predicted Consequence/Location: The variant is located in a mutational hot spot and/or well-established functional domain in which established pathogenic variants have been reported (PMID: 40225934). In silico tool predictions suggest damaging effect of the variant on gene or gene product [REVEL: 0.98 (>=0.6, sensitivity 0.68 and specificity 0.92); 3Cnet: 0.99 (> 0.75, sensitivity 0.96 and precision 0.92)]. The same nucleotide change resulting in the same amino acid change has been previously reported to be associated with COL6A2-related disorder (ClinVar ID: VCV000476493). Different missense changes at the same codon (p.Gly271Arg, p.Gly271Asp, p.Gly271Ser) have been reported as pathogenic/likely pathogenic with strong evidence (ClinVar ID: VCV000017155, VCV000198136 /PMID: 17785673, 37023487, 8782832 /3billion dataset). Therefore, this variant is classified as Likely pathogenic according to the recommendation of ACMG/AMP guideline.

Labcorp Genetics (formerly Invitae), Labcorp
Classification: Pathogenic for Bethlem myopathy 1A. Last evaluated: 2022-06-27. Review status: criteria provided, single submitter. Criteria: Invitae Variant Classification Sherloc (09022015). Collection method: clinical testing. Allele origin: germline.
Comment: ClinVar contains an entry for this variant (Variation ID: 476493). This variant has not been reported in the literature in individuals affected with COL6A2-related conditions. This variant is not present in population databases (gnomAD no frequency). This sequence change replaces glycine, which is neutral and non-polar, with valine, which is neutral and non-polar, at codon 271 of the COL6A2 protein (p.Gly271Val). Advanced modeling of protein sequence and biophysical properties (such as structural, functional, and spatial information, amino acid conservation, physicochemical variation, residue mobility, and thermodynamic stability) performed at Invitae indicates that this missense variant is expected to disrupt COL6A2 protein function. For these reasons, this variant has been classified as Pathogenic. This variant disrupts the p.Gly271 amino acid residue in COL6A2. Other variant(s) that disrupt this residue have been observed in individuals with COL6A2-related conditions (PMID: 8782832, 24801232), which suggests that this may be a clinically significant amino acid residue. This variant disrupts the triple helix domain of COL6A2. Glycine residues within the Gly-Xaa-Yaa repeats of the triple helix domain are required for the structure and stability of fibrillar collagens (PMID: 7695699, 8218237, 19344236). In COL6A2, missense variants at these glycine residues are significantly enriched in individuals with autosomal dominant disease (PMID: 15689448, 24038877) compared to the general population (ExAC).

Literature cited by the submitters: PubMed 17785673 (cited by 3billion); PubMed 8782832 (cited by Labcorp Genetics (formerly Invitae), Labcorp); PubMed 24801232 (cited by Labcorp Genetics (formerly Invitae), Labcorp); PubMed 7695699 (cited by Labcorp Genetics (formerly Invitae), Labcorp); PubMed 8218237 (cited by Labcorp Genetics (formerly Invitae), Labcorp); PubMed 19344236 (cited by Labcorp Genetics (formerly Invitae), Labcorp); PubMed 15689448 (cited by Labcorp Genetics (formerly Invitae), Labcorp); PubMed 24038877 (cited by Labcorp Genetics (formerly Invitae), Labcorp).